The following is an entry in ClinVar:

NM_005477.3(HCN4):c.3524C>A (p.Ser1175Tyr)

Gene: HCN4 (hyperpolarization activated cyclic nucleotide gated potassium channel 4; minus strand). Cytogenetic location: 15q24.1.
Variant type: single nucleotide variant.
Coding change: c.3524C>A on transcript NM_005477.3 (MANE Select); coding-DNA position 3524, C replaced by A.
Protein change: p.Ser1175Tyr; replaces serine 1175 with tyrosine.
Molecular consequence: missense variant.
Genome position (GRCh38, 1-based): chr15:73,322,569, G>T on the plus strand (C>A on the coding strand, the complement: HCN4 is on the minus strand). VCF-style: chr15-73322569-G-T. GRCh37 (hg19) VCF-style: chr15-73614910-G-T.
Other names: short protein forms S1175Y.
Identifiers: ClinVar variation 2450264 (VCV002450264.2), dbSNP rs2549067769, ClinGen allele CA393085011.

ClinVar aggregate classification (germline): Uncertain significance (1 of 4 stars; one submission).

Conditions:
Cardiovascular phenotype. Identifiers: MedGen CN230736.

Submission:

Ambry Genetics
Classification: Uncertain significance for Cardiovascular phenotype. Last evaluated: 2023-02-17. Review status: criteria provided, single submitter. Criteria: Ambry Variant Classification Scheme 2023. Collection method: clinical testing. Allele origin: germline.
Comment: The p.S1175Y variant (also known as c.3524C>A), located in coding exon 8 of the HCN4 gene, results from a C to A substitution at nucleotide position 3524. The serine at codon 1175 is replaced by tyrosine, an amino acid with dissimilar properties. This amino acid position is conserved. In addition, the in silico prediction for this alteration is inconclusive. Since supporting evidence is limited at this time, the clinical significance of this alteration remains unclear.